The following is an entry in ClinVar:

ClinVar aggregate classification (germline): Uncertain significance. Review status: criteria provided, multiple submitters, no conflicts (2 of 4 stars). 2 submissions from 2 submitters: Uncertain significance (2). Last evaluated 2026-06-12.

Conditions:
Familial hypercholesterolemia. Also called: Familial hypercholesterolemias; Familial hypercholesterolaemia. Identifiers: MedGen C0020445, MONDO:0005439.
Cardiovascular phenotype. Identifiers: MedGen CN230736.

gnomAD v4.1: 8 of 1,585,956 alleles (0.0005%); highest among the groups gnomAD compares: Non-Finnish European, 0.00043%; no homozygotes.

Submissions (2):

Cambridge Genomics Laboratory, East Genomic Laboratory Hub, NHS Genomic Medicine Service
Classification: Uncertain significance for Familial hypercholesterolaemia. Last evaluated: 2026-06-12. Review status: criteria provided, single submitter. Criteria: ACGS Best Practice Guidelines for Variant Classification in Rare Disease 2020. Collection method: clinical testing. Allele origin: germline. Affected: yes.
Comment: PM2,PP4,BP4

Ambry Genetics
Classification: Uncertain significance for Cardiovascular phenotype. Last evaluated: 2025-11-26. Review status: criteria provided, single submitter. Criteria: Ambry Variant Classification Scheme 2023. Collection method: clinical testing. Allele origin: germline.

NM_000041.4(APOE):c.796C>G (p.Gln266Glu)

Gene: APOE (apolipoprotein E; plus strand). Cytogenetic location: 19q13.32.
Variant type: single nucleotide variant.
Coding change: c.796C>G on transcript NM_000041.4 (MANE Select); coding-DNA position 796, C replaced by G.
Protein change: p.Gln266Glu; replaces glutamine 266 with glutamic acid.
Molecular consequence: missense variant.
Genome position (GRCh38, 1-based): chr19:44,909,092, C>G. VCF-style: chr19-44909092-C-G. GRCh37 (hg19) VCF-style: chr19-45412349-C-G.
Other names: c.874C>G, p.Gln292Glu (NM_001302688.2); c.796C>G, p.Gln266Glu (NM_001302689.2, NM_001302690.2, NM_001302691.2); short protein forms Q292E, Q266E.
Identifiers: ClinVar variation 4613735 (VCV004613735.2).
Genomic context (GRCh38, chr19:44,909,092, plus strand): 5'-CGCCTGGACGAGGTGAAGGAGCAGGTGGCGGAGGTGCGCGCCAAGCTGGAGGAGCAGGCC[C>G]AGCAGATACGCCTGCAGGCCGAGGCCTTCCAGGCCCGCCTCAAGAGCTGGTTCGAGCCCC-3'
Protein context (NP_000032.1, residues 256-276): EVRAKLEEQA[Gln266Glu]QIRLQAEAFQ